The following is an entry in ClinVar:

NM_182476.3(COQ6):c.298+2T>C

Gene: COQ6 (coenzyme Q6, monooxygenase; plus strand). Cytogenetic location: 14q24.3.
Variant type: single nucleotide variant.
Coding change: c.298+2T>C on transcript NM_182476.3 (MANE Select); the canonical splice donor site of the intron after coding-DNA position 298, T replaced by C.
Molecular consequence: splice donor variant.
Genome position (GRCh38, 1-based): chr14:73,953,571, T>C. VCF-style: chr14-73953571-T-C. GRCh37 (hg19) VCF-style: chr14-74420274-T-C.
Other names: c.223+2T>C (NM_182480.3).
Identifiers: ClinVar variation 1516201 (VCV001516201.6), dbSNP rs186291107, ClinGen allele CA263572238.

ClinVar aggregate classification (germline): Likely pathogenic (1 of 4 stars; one submission).

Allele frequency attached by ClinVar (database versions not stated): gnomAD 0.00001; gnomAD exomes 0.00001 and 0.00002; 1000 Genomes Project 0.00020; 1000 Genomes Project 30x 0.00031.
gnomAD v4.1: 5 of 1,614,198 alleles (0.00031%); highest among the groups gnomAD compares: Admixed American, 0.0067%; no homozygotes.

Submission:

Labcorp Genetics (formerly Invitae), Labcorp
Classification: Likely pathogenic. Last evaluated: 2022-08-06. Review status: criteria provided, single submitter. Criteria: Invitae Variant Classification Sherloc (09022015). Collection method: clinical testing. Allele origin: germline.
Comment: In summary, the currently available evidence indicates that the variant is pathogenic, but additional data are needed to prove that conclusively. Therefore, this variant has been classified as Likely Pathogenic. Algorithms developed to predict the effect of sequence changes on RNA splicing suggest that this variant may disrupt the consensus splice site. ClinVar contains an entry for this variant (Variation ID: 1516201). This variant has not been reported in the literature in individuals affected with COQ6-related conditions. This variant is present in population databases (rs186291107, gnomAD 0.009%). This sequence change affects a donor splice site in intron 2 of the COQ6 gene. It is expected to disrupt RNA splicing. Variants that disrupt the donor or acceptor splice site typically lead to a loss of protein function (PMID: 16199547), and loss-of-function variants in COQ6 are known to be pathogenic (PMID: 21540551, 24140869).

Literature cited by the submitters: PubMed 16199547; PubMed 21540551; PubMed 24140869.